The following is an entry in ClinVar:

ClinVar aggregate classification (germline): Uncertain significance (1 of 4 stars; one submission).

Conditions:
AP3D1-related disorder. Also called: AP3D1-related condition.

Allele frequency attached by ClinVar (database versions not stated): TOPMed below 0.00001.
gnomAD v4.1: 3 of 1,582,332 alleles (0.00019%); highest among the groups gnomAD compares: Non-Finnish European, 0.00026%; no homozygotes.

Submission:

PreventionGenetics, part of Exact Sciences
Classification: Uncertain significance for AP3D1-related condition. Last evaluated: 2022-11-07. Review status: criteria provided, single submitter. Criteria: ACMG Guidelines, 2015. Collection method: clinical testing. Allele origin: germline.
Comment: The AP3D1 c.2937+7G>T variant is predicted to interfere with splicing. To our knowledge, this variant has not been reported in the literature or in a large population database, indicating this variant is rare. At this time, the clinical significance of this variant is uncertain due to the absence of conclusive functional and genetic evidence.

NM_001261826.3(AP3D1):c.2937+7G>T

Gene: AP3D1 (adaptor related protein complex 3 subunit delta 1; minus strand). Cytogenetic location: 19p13.3.
Variant type: single nucleotide variant.
Coding change: c.2937+7G>T on transcript NM_001261826.3 (MANE Select); 7 bases into the intron after coding-DNA position 2937, G replaced by T.
Molecular consequence: intron variant.
Genome position (GRCh38, 1-based): chr19:2,111,672, C>A on the plus strand (G>T on the coding strand, the complement: AP3D1 is on the minus strand). VCF-style: chr19-2111672-C-A. GRCh37 (hg19) VCF-style: chr19-2111671-C-A.
Other names: c.2751+7G>T (NM_003938.8); c.2901+7G>T (NM_001374799.1).
Identifiers: ClinVar variation 2635477 (VCV002635477.1), dbSNP rs760328728, ClinGen allele CA880560316.